The following is an entry in ClinVar:

ClinVar aggregate classification (germline): Uncertain significance. Review status: criteria provided, multiple submitters, no conflicts (2 of 4 stars). 2 submissions from 2 submitters: Uncertain significance (2). Last evaluated 2025-08-20.

Conditions:
Aortic aneurysm, familial thoracic 8 (AAT8). Identifiers: MedGen C3809513, MONDO:0014187, OMIM 615436.
Familial thoracic aortic aneurysm and aortic dissection (TAAD). Also called: Thoracic aortic aneurysms and dissections. Identifiers: Orphanet 91387, MedGen C4707243, MONDO:0019625.

Allele frequency attached by ClinVar (database versions not stated): gnomAD exomes below 0.00001.
gnomAD v4.1: 6 of 1,613,946 alleles (0.00037%); highest among the groups gnomAD compares: South Asian, 0.0011%; no homozygotes.

Submissions (2):

Labcorp Genetics (formerly Invitae), Labcorp
Classification: Uncertain significance for Aortic aneurysm, familial thoracic 8. Last evaluated: 2025-08-20. Review status: criteria provided, single submitter. Criteria: Invitae Variant Classification Sherloc (09022015). Collection method: clinical testing. Allele origin: germline.
Comment: This sequence change replaces arginine, which is basic and polar, with glycine, which is neutral and non-polar, at codon 54 of the PRKG1 protein (p.Arg54Gly). This variant is present in population databases (no rsID available, gnomAD 0.0009%). This variant has not been reported in the literature in individuals affected with PRKG1-related conditions. ClinVar contains an entry for this variant (Variation ID: 1051422). An algorithm developed to predict the effect of missense changes on protein structure and function (PolyPhen-2) suggests that this variant is likely to be tolerated. In summary, the available evidence is currently insufficient to determine the role of this variant in disease. Therefore, it has been classified as a Variant of Uncertain Significance.

Ambry Genetics
Classification: Uncertain significance for Familial thoracic aortic aneurysm and aortic dissection. Last evaluated: 2024-09-08. Review status: criteria provided, single submitter. Criteria: Ambry Variant Classification Scheme 2023. Collection method: clinical testing. Allele origin: germline.
Comment: The p.R54G variant (also known as c.160C>G), located in coding exon 1 of the PRKG1 gene, results from a C to G substitution at nucleotide position 160. The arginine at codon 54 is replaced by glycine, an amino acid with dissimilar properties. This amino acid position is conserved. In addition, this alteration is predicted to be tolerated by in silico analysis. Based on the available evidence, the clinical significance of this variant remains unclear.

NM_006258.4(PRKG1):c.160C>G (p.Arg54Gly)

Gene: PRKG1 (protein kinase cGMP-dependent 1; plus strand). Cytogenetic location: 10q11.23.
Variant type: single nucleotide variant.
Coding change: c.160C>G on transcript NM_006258.4 (MANE Select); coding-DNA position 160, C replaced by G.
Protein change: p.Arg54Gly; replaces arginine 54 with glycine.
Molecular consequence: missense variant. On other transcripts: intron variant (1).
Genome position (GRCh38, 1-based): chr10:51,074,750, C>G. VCF-style: chr10-51074750-C-G. GRCh37 (hg19) VCF-style: chr10-52834510-C-G.
Other names: c.160C>G, p.Arg54Gly (NM_001374782.1); c.267-78414C>G (NM_001098512.3); c.160C>G (NM_006258.3); short protein forms R54G.
Identifiers: ClinVar variation 1051422 (VCV001051422.8), dbSNP rs1326285215, ClinGen allele CA376826929.
Genomic context (GRCh38, chr10:51,074,750, plus strand): 5'-CAGAAGGACGAACTGATCCAGAAGCTGCAGAACGAGCTGGACAAGTACCGCTCGGTGATC[C>G]GACCAGCCACCCAGCAGGCGCAGAAGCAGAGCGCGAGCACCTTGCAGGGCGAGCCGCGCA-3'
Protein context (NP_006249.1, residues 44-64): NELDKYRSVI[Arg54Gly]PATQQAQKQS